The following is an entry in ClinVar:

NM_002768.5(CHMP1A):c.*93G>A

Gene: CHMP1A (charged multivesicular body protein 1A; minus strand). Cytogenetic location: 16q24.3.
Variant type: single nucleotide variant.
Coding change: c.*93G>A on transcript NM_002768.5 (MANE Select); 93 bases downstream of the stop codon, G replaced by A.
Molecular consequence: 3 prime UTR variant. On other transcripts: missense variant (1), non-coding transcript variant (1).
Genome position (GRCh38, 1-based): chr16:89,645,973, C>T on the plus strand (G>A on the coding strand, the complement: CHMP1A is on the minus strand). VCF-style: chr16-89645973-C-T. GRCh37 (hg19) VCF-style: chr16-89712381-C-T.
Other names: c.664G>A, p.Ala222Thr (NM_001083314.4); short protein forms A222T.
Identifiers: ClinVar variation 1032086 (VCV001032086.1), dbSNP rs542215121, ClinGen allele CA8246876.
Genomic context (GRCh38, chr16:89,645,973, plus strand): 5'-CCTAAGGCCACGCAGGCCTGGCAGGTGAGAGACGCAGAGTGGCTGCCGGCCGCAGCCCCG[C>T]GGGGTCAGCACAAAGGCAAGACGCGGTGGGGAGAGGACAGGAGCCTTCCAGCACATCACG-3'

ClinVar aggregate classification (germline): Uncertain significance (1 of 4 stars; one submission).

Conditions:
Pontocerebellar hypoplasia type 8 (PCH8). Identifiers: Orphanet 324569, MedGen C3554209, MONDO:0013990, OMIM 614961.

Allele frequency attached by ClinVar (database versions not stated): gnomAD 0.00001; TOPMed 0.00002; 1000 Genomes Project 30x 0.00016; 1000 Genomes Project 0.00020.

Submission:

Baylor Genetics
Classification: Uncertain significance for Pontocerebellar hypoplasia type 8. Last evaluated: 2018-05-24. Review status: criteria provided, single submitter. Criteria: ACMG Guidelines, 2015. Collection method: clinical testing. Allele origin: maternal. Affected: yes.
Comment: This variant was determined to be of uncertain significance according to ACMG Guidelines, 2015 [PMID:25741868].